The following is an entry in ClinVar:

ClinVar aggregate classification (germline): Uncertain significance (1 of 4 stars; one submission).

Conditions:
DICER1-related tumor predisposition. Also called: DICER1 syndrome; DICER1-related pleuropulmonary blastoma cancer predisposition syndrome. Identifiers: Orphanet 284343, MedGen C3839822, MONDO:0100216.

Submission:

Labcorp Genetics (formerly Invitae), Labcorp
Classification: Uncertain significance for DICER1-related tumor predisposition. Last evaluated: 2023-05-27. Review status: criteria provided, single submitter. Criteria: Invitae Variant Classification Sherloc (09022015). Collection method: clinical testing. Allele origin: germline.
Comment: In summary, the available evidence is currently insufficient to determine the role of this variant in disease. Therefore, it has been classified as a Variant of Uncertain Significance. This sequence change replaces serine, which is neutral and polar, with cysteine, which is neutral and slightly polar, at codon 1016 of the DICER1 protein (p.Ser1016Cys). This variant is not present in population databases (gnomAD no frequency). This variant has not been reported in the literature in individuals affected with DICER1-related conditions. Advanced modeling of protein sequence and biophysical properties (such as structural, functional, and spatial information, amino acid conservation, physicochemical variation, residue mobility, and thermodynamic stability) performed at Invitae indicates that this missense variant is not expected to disrupt DICER1 protein function.

NM_177438.3(DICER1):c.3046A>T (p.Ser1016Cys)

Gene: DICER1 (dicer 1, ribonuclease III; minus strand). Cytogenetic location: 14q32.13.
Variant type: single nucleotide variant.
Coding change: c.3046A>T on transcript NM_177438.3 (MANE Select); coding-DNA position 3046, A replaced by T.
Protein change: p.Ser1016Cys; replaces serine 1016 with cysteine.
Molecular consequence: missense variant. On other transcripts: non-coding transcript variant (6).
Genome position (GRCh38, 1-based): chr14:95,105,725, T>A on the plus strand (A>T on the coding strand, the complement: DICER1 is on the minus strand). VCF-style: chr14-95105725-T-A. GRCh37 (hg19) VCF-style: chr14-95572062-T-A.
Other names: c.3046A>T, p.Ser1016Cys (NM_001195573.1, NM_001271282.3, NM_001291628.2 and 13 more transcripts); c.2764A>T, p.Ser922Cys (NM_001395686.1); c.2641A>T, p.Ser881Cys (NM_001395687.1, NM_001395688.1, NM_001395689.1 and 2 more transcripts); c.2479A>T, p.Ser827Cys (NM_001395691.1); c.1363A>T, p.Ser455Cys (NM_001395697.1); short protein forms S455C, S827C, S1016C, S881C, S922C.
Identifiers: ClinVar variation 2733945 (VCV002733945.3), dbSNP rs2542774191, ClinGen allele CA390878240.